The following is an entry in ClinVar:

NM_001613.4(ACTA2):c.976A>G (p.Thr326Ala)

Genes: ACTA2 (actin alpha 2, smooth muscle; minus strand), ACTA2-AS1 (ACTA2 antisense RNA 1; plus strand). Cytogenetic location: 10q23.31.
Variant type: single nucleotide variant.
Coding change: c.976A>G on transcript NM_001613.4 (MANE Select); coding-DNA position 976, A replaced by G.
Protein change: p.Thr326Ala; replaces threonine 326 with alanine.
Molecular consequence: missense variant.
Genome position (GRCh38, 1-based): chr10:88,938,075, T>C on the plus strand (A>G on the coding strand, the complement: ACTA2 is on the minus strand). VCF-style: chr10-88938075-T-C. GRCh37 (hg19) VCF-style: chr10-90697832-T-C.
Other names: c.976A>G, p.Thr326Ala (NM_001141945.3, NM_001320855.2, NM_001406462.1 and 2 more transcripts); c.865A>G, p.Thr289Ala (NM_001406466.1); c.847A>G, p.Thr283Ala (NM_001406467.1, NM_001406468.1, NM_001406469.1); c.784A>G, p.Thr262Ala (NM_001406471.1); short protein forms T262A, T283A, T289A, T326A.
Identifiers: ClinVar variation 3075535 (VCV003075535.1), dbSNP rs1280711401, ClinGen allele CA377510675.

ClinVar aggregate classification (germline): Uncertain significance (1 of 4 stars; one submission).

Conditions:
Familial thoracic aortic aneurysm and aortic dissection (TAAD). Also called: Thoracic aortic aneurysms and dissections. Identifiers: Orphanet 91387, MedGen C4707243, MONDO:0019625.

Allele frequency attached by ClinVar (database versions not stated): gnomAD exomes below 0.00001; TOPMed below 0.00001.
gnomAD v4.1: 4 of 1,613,982 alleles (0.00025%); highest among the groups gnomAD compares: African/African-American, 0.0013%; no homozygotes.

Submission:

All of Us Research Program, National Institutes of Health
Classification: Uncertain significance for Familial thoracic aortic aneurysm and aortic dissection. Last evaluated: 2023-05-16. Review status: criteria provided, single submitter. Criteria: ACMG Guidelines, 2015. Collection method: clinical testing. Allele origin: germline. Inheritance: Autosomal dominant inheritance. Observed: 1 variant allele, 1 heterozygote.
Comment: This missense variant replaces threonine with alanine at codon 326 of the ACTA2 protein. Computational prediction suggests that this variant may not impact protein structure and function (internally defined REVEL score threshold <= 0.5, PMID: 27666373). To our knowledge, functional studies have not been reported for this variant. This variant has not been reported in individuals affected with cardiovascular disorders in the literature. This variant has been identified in 1/250872 chromosomes in the general population by the Genome Aggregation Database (gnomAD). The available evidence is insufficient to determine the role of this variant in disease conclusively. Therefore, this variant is classified as a Variant of Uncertain Significance.

This study involves interpretation of variants in research participants for the purpose of population health screening. Participant phenotype was not available at the time of variant classification. Additional details can be found in publication PMID: 35346344, PMCID: PMC8962531